The following is an entry in ClinVar:

ClinVar aggregate classification (germline): Uncertain significance. Review status: criteria provided, multiple submitters, no conflicts (2 of 4 stars). 2 submissions from 2 submitters: Uncertain significance (2). Last evaluated 2024-11-28.

Conditions:
Inborn genetic diseases. Identifiers: MedGen C0950123, MeSH D030342.

Allele frequency attached by ClinVar (database versions not stated): gnomAD exomes 0.00002; gnomAD 0.00003; ExAC 0.00011.
gnomAD v4.1: 94 of 1,485,550 alleles (0.0063%); highest among the groups gnomAD compares: Non-Finnish European, 0.0077%; no homozygotes.

Submissions (2):

Labcorp Genetics (formerly Invitae), Labcorp
Classification: Uncertain significance. Last evaluated: 2024-11-28. Review status: criteria provided, single submitter. Criteria: Invitae Variant Classification Sherloc (09022015). Collection method: clinical testing. Allele origin: germline.
Comment: This sequence change replaces alanine, which is neutral and non-polar, with glycine, which is neutral and non-polar, at codon 1310 of the GRIN2D protein (p.Ala1310Gly). This variant is present in population databases (rs753854352, gnomAD 0.003%). This variant has not been reported in the literature in individuals affected with GRIN2D-related conditions. ClinVar contains an entry for this variant (Variation ID: 1381893). Invitae Evidence Modeling of protein sequence and biophysical properties (such as structural, functional, and spatial information, amino acid conservation, physicochemical variation, residue mobility, and thermodynamic stability) indicates that this missense variant is not expected to disrupt GRIN2D protein function with a negative predictive value of 95%. In summary, the available evidence is currently insufficient to determine the role of this variant in disease. Therefore, it has been classified as a Variant of Uncertain Significance.

Ambry Genetics
Classification: Uncertain significance for Inborn genetic diseases. Last evaluated: 2024-08-05. Review status: criteria provided, single submitter. Criteria: Ambry Variant Classification Scheme 2023. Collection method: clinical testing. Allele origin: germline.

NM_000836.4(GRIN2D):c.3929C>G (p.Ala1310Gly)

Gene: GRIN2D (glutamate ionotropic receptor NMDA type subunit 2D; plus strand). Cytogenetic location: 19q13.33.
Variant type: single nucleotide variant.
Coding change: c.3929C>G on transcript NM_000836.4 (MANE Select); coding-DNA position 3929, C replaced by G.
Protein change: p.Ala1310Gly; replaces alanine 1310 with glycine.
Molecular consequence: missense variant.
Genome position (GRCh38, 1-based): chr19:48,443,855, C>G. VCF-style: chr19-48443855-C-G. GRCh37 (hg19) VCF-style: chr19-48947112-C-G.
Other names: c.3929C>G (NM_000836.2); short protein forms A1310G.
Identifiers: ClinVar variation 1381893 (VCV001381893.9), dbSNP rs753854352, ClinGen allele CA9550877.